The following is an entry in ClinVar:

ClinVar aggregate classification (germline): Benign/Likely benign. Review status: criteria provided, multiple submitters, no conflicts (2 of 4 stars). 6 submissions from 6 submitters: Benign (3); Likely benign (2). 1 of the submissions does not count toward it. Last evaluated 2025-11-16.

Conditions:
COL1A1-related disorder. Also called: COL1A1- related disease; COL1A1-related condition.
Osteogenesis imperfecta type I (OI1). Also called: OSTEOGENESIS IMPERFECTA WITH BLUE SCLERAE; Osteogenesis imperfecta type 1; Lobstein's Disease; OI, TYPE I; OSTEOGENESIS IMPERFECTA TARDA; Classic Non-deforming Osteogenesis Imperfecta with Blue Sclerae. Identifiers: Orphanet 216796, Orphanet 666, MedGen C0023931, MONDO:0008146, OMIM 166200. Disease mechanism: loss of function.

Allele frequency attached by ClinVar (database versions not stated): gnomAD exomes 0.00002 and 0.00006; ExAC 0.00008; 1000 Genomes Project 0.00020; 1000 Genomes Project 30x 0.00031; ESP Exome Variant Server 0.00031; gnomAD 0.00031 and 0.00037; TOPMed 0.00031.
gnomAD v4.1: 82 of 1,612,080 alleles (0.0051%); highest among the groups gnomAD compares: African/African-American, 0.099%; no homozygotes.

Submissions (6):

Labcorp Genetics (formerly Invitae), Labcorp
Classification: Benign for Osteogenesis imperfecta type I. Last evaluated: 2025-11-16. Review status: criteria provided, single submitter. Criteria: Invitae Variant Classification Sherloc (09022015). Collection method: clinical testing. Allele origin: germline.

Women's Health and Genetics/Laboratory Corporation of America, LabCorp
Classification: Benign. Last evaluated: 2025-11-04. Review status: criteria provided, single submitter. Criteria: LabCorp Variant Classification Summary - May 2015. Collection method: clinical testing. Allele origin: germline.

Blueprint Genetics
Classification: Likely benign. Last evaluated: 2022-02-21. Review status: criteria provided, single submitter. Criteria: ACMG Guidelines, 2015. Collection method: clinical testing. Allele origin: germline.

GeneDx
Classification: Likely benign. Last evaluated: 2017-12-07. Review status: criteria provided, single submitter. Criteria: GeneDx Variant Classification (06012015). Collection method: clinical testing. Allele origin: germline. Affected: yes.
Comment: This variant is considered likely benign or benign based on one or more of the following criteria: it is a conservative change, it occurs at a poorly conserved position in the protein, it is predicted to be benign by multiple in silico algorithms, and/or has population frequency not consistent with disease.

Athena Diagnostics
Classification: Benign. Last evaluated: 2017-09-30. Review status: criteria provided, single submitter. Criteria: Athena Diagnostics Criteria. Collection method: clinical testing. Allele origin: germline.

PreventionGenetics, part of Exact Sciences
Classification: Likely benign for COL1A1-related condition. Last evaluated: 2020-01-08. Review status: no assertion criteria provided. Collection method: clinical testing. Allele origin: germline. Not counted in ClinVar's aggregate classification.
Comment: This variant is classified as likely benign based on ACMG/AMP sequence variant interpretation guidelines (Richards et al. 2015 PMID: 25741868, with internal and published modifications).

NM_000088.4(COL1A1):c.2668-12A>G

Gene: COL1A1 (collagen type I alpha 1 chain; minus strand). Cytogenetic location: 17q21.33.
Variant type: single nucleotide variant.
Coding change: c.2668-12A>G on transcript NM_000088.4 (MANE Select); 12 bases into the intron before coding-DNA position 2668, A replaced by G.
Molecular consequence: intron variant.
Genome position (GRCh38, 1-based): chr17:50,189,550, T>C on the plus strand (A>G on the coding strand, the complement: COL1A1 is on the minus strand). VCF-style: chr17-50189550-T-C. GRCh37 (hg19) VCF-style: chr17-48266911-T-C.
Identifiers: ClinVar variation 513984 (VCV000513984.14), dbSNP rs200355573, ClinGen allele CA8644700.